The following is an entry in ClinVar:

ClinVar aggregate classification (germline): Benign. Review status: criteria provided, multiple submitters, no conflicts (2 of 4 stars). 2 submissions from 2 submitters: Benign (2). Last evaluated 2018-06-15.

Allele frequency attached by ClinVar (database versions not stated): gnomAD 0.28277 and 0.28960; TOPMed 0.30057; 1000 Genomes Project 30x 0.36618; 1000 Genomes Project 0.37320.
gnomAD v4.1: 154,072 of 523,966 alleles (29%); highest among the groups gnomAD compares: East Asian, 77%; 27,141 homozygotes.

Submissions (2):

GeneDx
Classification: Benign. Last evaluated: 2018-06-15. Review status: criteria provided, single submitter. Criteria: GeneDx Variant Classification (06012015). Collection method: clinical testing. Allele origin: germline. Affected: yes.
Comment: This variant is considered likely benign or benign based on one or more of the following criteria: it is a conservative change, it occurs at a poorly conserved position in the protein, it is predicted to be benign by multiple in silico algorithms, and/or has population frequency not consistent with disease.

Breakthrough Genomics
Classification: Benign. Review status: criteria provided, single submitter. Criteria: ACMG Guidelines, 2015. Collection method: not provided. Allele origin: germline. Inheritance: Autosomal dominant inheritance. Affected: yes.

NM_006912.6(RIT1):c.163+233C>G

Gene: RIT1 (Ras like without CAAX 1; minus strand). Cytogenetic location: 1q22.
Variant type: single nucleotide variant.
Coding change: c.163+233C>G on transcript NM_006912.6 (MANE Select); 233 bases into the intron after coding-DNA position 163, C replaced by G.
Molecular consequence: intron variant.
Genome position (GRCh38, 1-based): chr1:155,910,217, G>C on the plus strand (C>G on the coding strand, the complement: RIT1 is on the minus strand). VCF-style: chr1-155910217-G-C. GRCh37 (hg19) VCF-style: chr1-155880008-G-C.
Other names: c.163+233C>G (LRG_1372t1); c.55+233C>G (NM_001256820.2); c.214+233C>G (NM_001256821.2).
Identifiers: ClinVar variation 561586 (VCV000561586.2), dbSNP rs867548, ClinGen allele CA10815975.